The following is an entry in ClinVar:

NM_000079.4(CHRNA1):c.112G>A (p.Val38Met)

Gene: CHRNA1 (cholinergic receptor nicotinic alpha 1 subunit; minus strand). Cytogenetic location: 2q31.1.
Variant type: single nucleotide variant.
Coding change: c.112G>A on transcript NM_000079.4 (MANE Select); coding-DNA position 112, G replaced by A.
Protein change: p.Val38Met; replaces valine 38 with methionine.
Molecular consequence: missense variant.
Genome position (GRCh38, 1-based): chr2:174,759,565, C>T on the plus strand (G>A on the coding strand, the complement: CHRNA1 is on the minus strand). VCF-style: chr2-174759565-C-T. GRCh37 (hg19) VCF-style: chr2-175624293-C-T.
Other names: c.112G>A, p.Val38Met (NM_001039523.3); short protein forms V38M.
Identifiers: ClinVar variation 647650 (VCV000647650.10), dbSNP rs569049580, ClinGen allele CA1974700.

ClinVar aggregate classification (germline): Uncertain significance. Review status: criteria provided, multiple submitters, no conflicts (2 of 4 stars). 2 submissions from 2 submitters: Uncertain significance (2). Last evaluated 2025-08-26.

Conditions:
Lethal multiple pterygium syndrome (LMPS). Identifiers: Orphanet 33108, MedGen C1854678, MONDO:0009668, OMIM 253290.
Inborn genetic diseases. Identifiers: MedGen C0950123, MeSH D030342.

Allele frequency attached by ClinVar (database versions not stated): gnomAD exomes 0.00002; ExAC 0.00003; gnomAD 0.00005; TOPMed 0.00006; 1000 Genomes Project 30x 0.00016; 1000 Genomes Project 0.00020.

Submissions (2):

Ambry Genetics
Classification: Uncertain significance for Inborn genetic diseases. Last evaluated: 2025-08-26. Review status: criteria provided, single submitter. Criteria: Ambry Variant Classification Scheme 2023. Collection method: clinical testing. Allele origin: germline.

Labcorp Genetics (formerly Invitae), Labcorp
Classification: Uncertain significance for Lethal multiple pterygium syndrome. Last evaluated: 2024-06-12. Review status: criteria provided, single submitter. Criteria: Invitae Variant Classification Sherloc (09022015). Collection method: clinical testing. Allele origin: germline.
Comment: This sequence change replaces valine, which is neutral and non-polar, with methionine, which is neutral and non-polar, at codon 38 of the CHRNA1 protein (p.Val38Met). This variant is present in population databases (rs569049580, gnomAD 0.01%). This variant has not been reported in the literature in individuals affected with CHRNA1-related conditions. ClinVar contains an entry for this variant (Variation ID: 647650). Advanced modeling of protein sequence and biophysical properties (such as structural, functional, and spatial information, amino acid conservation, physicochemical variation, residue mobility, and thermodynamic stability) performed at Invitae indicates that this missense variant is not expected to disrupt CHRNA1 protein function with a negative predictive value of 80%. In summary, the available evidence is currently insufficient to determine the role of this variant in disease. Therefore, it has been classified as a Variant of Uncertain Significance.